The following is an entry in ClinVar:

NM_007294.4(BRCA1):c.135-11A>T

Gene: BRCA1 (BRCA1 DNA repair associated; minus strand). Cytogenetic location: 17q21.31.
Variant type: single nucleotide variant.
Coding change: c.135-11A>T on transcript NM_007294.4 (MANE Select); 11 bases into the intron before coding-DNA position 135, A replaced by T.
Molecular consequence: intron variant.
Genome position (GRCh38, 1-based): chr17:43,106,544, T>A on the plus strand (A>T on the coding strand, the complement: BRCA1 is on the minus strand). VCF-style: chr17-43106544-T-A. GRCh37 (hg19) VCF-style: chr17-41258561-T-A.
Other names: c.-54-11A>T (NM_001408480.1, NM_001407909.1, NM_001407906.1 and 58 more transcripts); c.135-11A>T (NM_001408408.1, NM_001407647.1, NM_001408446.1 and 167 more transcripts); c.-7-11A>T (NM_001408468.1, NM_001407842.1, NM_001407749.1 and 99 more transcripts); c.-218-11684A>T (NM_001407966.1, NM_001407967.1); c.-169-1588A>T (NM_001407963.1, NM_001407960.1, NM_001407965.1 and 4 more transcripts); c.135-1588A>T (NM_001408413.1, NM_001407660.1, NM_001407661.1 and 21 more transcripts); c.81-1588A>T (NM_001408451.1).
Identifiers: ClinVar variation 867860 (VCV000867860.3), dbSNP rs769549104, ClinGen allele CA916080931.

Conditions:
Breast-ovarian cancer, familial, susceptibility to, 1 (BROVCA1). Also called: BRCA1 Hereditary Breast and Ovarian Cancer; OVARIAN CANCER, SUSCEPTIBILITY TO. Identifiers: Orphanet 145, MedGen C2676676, MONDO:0011450, OMIM 604370. Disease mechanism: loss of function.

Submission:

Brotman Baty Institute, University of Washington
No classification provided (evidence only). Condition: Breast-ovarian cancer, familial 1. Review status: no classification provided. Collection method: in vitro. Allele origin: not applicable. Functional consequence: functionally_normal.
ClinVar note: "not provided" was previously submitted as the classification for the variant. However, the classification appeared to be based only on an observation of functional data so it was converted to no classification on 2025-07-30.